The following is an entry in ClinVar:

NM_000052.7(ATP7A):c.4085C>T (p.Ala1362Val)

Gene: ATP7A (ATPase copper transporting alpha; plus strand). Cytogenetic location: Xq21.1.
Variant type: single nucleotide variant.
Coding change: c.4085C>T on transcript NM_000052.7 (MANE Select); coding-DNA position 4085, C replaced by T.
Protein change: p.Ala1362Val; replaces alanine 1362 with valine.
Molecular consequence: missense variant. On other transcripts: non-coding transcript variant (1).
Genome position (GRCh38, 1-based): chrX:78,043,396, C>T. VCF-style: chrX-78043396-C-T. GRCh37 (hg19) VCF-style: chrX-77298894-C-T.
Other names: c.4085C>T (NM_000052.6); c.3851C>T, p.Ala1284Val (NM_001282224.2); short protein forms A1284V, A1362V.
Identifiers: ClinVar variation 1332708 (VCV001332708.4), dbSNP rs2149112273, ClinGen allele CA413605638.

ClinVar aggregate classification (germline): Pathogenic/Likely pathogenic. Review status: criteria provided, multiple submitters, no conflicts (2 of 4 stars). 3 submissions from 3 submitters: Pathogenic (1); Likely pathogenic (1). 1 of the submissions does not count toward it. Last evaluated 2025-02-26.

Conditions:
Menkes kinky-hair syndrome (MNK). Also called: Copper transport disease; Classic Menkes Disease; Menkes Disease. Identifiers: Orphanet 565, MedGen C0022716, MONDO:0010651, OMIM 309400.

Submissions (3):

Women's Health and Genetics/Laboratory Corporation of America, LabCorp
Classification: Likely pathogenic for Menkes kinky-hair syndrome. Last evaluated: 2025-02-26. Review status: criteria provided, single submitter. Criteria: LabCorp Variant Classification Summary - May 2015. Collection method: clinical testing. Allele origin: germline.
Comment: Variant summary: ATP7A c.4085C>T (p.Ala1362Val) results in a non-conservative amino acid change in the encoded protein sequence. Five of five in-silico tools predict a damaging effect of the variant on protein function. The variant was absent in 183294 control chromosomes. c.4085C>T has been reported in the literature in individuals affected with Menkes Kinky-Hair Syndrome (Ambrosini_1999, Kaur_2021). These data indicate that the variant may be associated with disease. At least one publication reports experimental evidence evaluating an impact on protein function. The most pronounced variant effect results in 10%-<30% of normal activity due to failure of the mutant protein translication from the trans-golgi netowrk to the plasma membrane in the presence of copper ( (Ambrosini_1999, Skjrringe_2017)). ClinVar contains an entry for this variant (Variation ID: 1332708). Based on the evidence outlined above, the variant was classified as likely pathogenic.

Kasturba Medical College, Manipal, Kasturba Medical College, Manipal, Manipal Academy of Higher Education, Manipal, India
Classification: Pathogenic for Menkes kinky-hair syndrome. Review status: criteria provided, single submitter. Criteria: ACMG Guidelines, 2015. Collection method: clinical testing. Allele origin: inherited. Affected: yes.

Inherited Neuropathy Consortium Ii, University Of Miami
Classification: Uncertain significance for Menkes kinky-hair syndrome. Last evaluated: 2016-01-06. Review status: no assertion criteria provided. Collection method: literature only. Allele origin: germline. Affected: yes. Not counted in ClinVar's aggregate classification.

Literature cited by the submitters: PubMed 34302356 (cited by Women's Health and Genetics/Laboratory Corporation of America, LabCorp); PubMed 10401004 (cited by Women's Health and Genetics/Laboratory Corporation of America, LabCorp); PubMed 28389643 (cited by Women's Health and Genetics/Laboratory Corporation of America, LabCorp); PubMed 16098018 (cited by Inherited Neuropathy Consortium Ii, University Of Miami).